The following is an entry in ClinVar:

ClinVar aggregate classification (germline): Uncertain significance (1 of 4 stars; one submission).

Conditions:
Hereditary breast ovarian cancer syndrome. Also called: Hereditary breast and ovarian cancer syndrome; Hereditary breast and ovarian cancer syndrome (HBOC); BRCA1- and BRCA2-Associated Hereditary Breast and Ovarian Cancer; Hereditary breast and ovarian cancer; Breast and ovarian cancer; Hereditary breast and/or ovarian cancer syndrome. Identifiers: Orphanet 145, MedGen C0677776, MeSH D061325, MONDO:0003582. Disease mechanism: loss of function.

Submission:

Labcorp Genetics (formerly Invitae), Labcorp
Classification: Uncertain significance for Hereditary breast ovarian cancer syndrome. Last evaluated: 2024-04-27. Review status: criteria provided, single submitter. Criteria: Invitae Variant Classification Sherloc (09022015). Collection method: clinical testing. Allele origin: germline.
Comment: This sequence change replaces cysteine, which is neutral and slightly polar, with serine, which is neutral and polar, at codon 953 of the BRCA1 protein (p.Cys953Ser). This variant is not present in population databases (gnomAD no frequency). This variant has not been reported in the literature in individuals affected with BRCA1-related conditions. Advanced modeling of protein sequence and biophysical properties (such as structural, functional, and spatial information, amino acid conservation, physicochemical variation, residue mobility, and thermodynamic stability) performed at Invitae indicates that this missense variant is not expected to disrupt BRCA1 protein function with a negative predictive value of 95%. In summary, the available evidence is currently insufficient to determine the role of this variant in disease. Therefore, it has been classified as a Variant of Uncertain Significance.

NM_007294.4(BRCA1):c.2858G>C (p.Cys953Ser)

Gene: BRCA1 (BRCA1 DNA repair associated; minus strand). Cytogenetic location: 17q21.31.
Variant type: single nucleotide variant.
Coding change: c.2858G>C on transcript NM_007294.4 (MANE Select); coding-DNA position 2858, G replaced by C.
Protein change: p.Cys953Ser; replaces cysteine 953 with serine.
Molecular consequence: missense variant. On other transcripts: intron variant (137).
Genome position (GRCh38, 1-based): chr17:43,092,673, C>G on the plus strand (G>C on the coding strand, the complement: BRCA1 is on the minus strand). VCF-style: chr17-43092673-C-G. GRCh37 (hg19) VCF-style: chr17-41244690-C-G.
Other names: c.788-1641G>C (NM_001408404.1, NM_001408472.1, NM_001407990.1 and 17 more transcripts); c.788-534G>C (NM_001407969.1, NM_001407968.1); c.578-1641G>C (NM_001408492.1, NM_001408513.1, NM_001408489.1 and 9 more transcripts); c.644-1641G>C (NM_001408468.1, NM_001408465.1, NM_001408463.1 and 3 more transcripts); c.524-1641G>C (NM_001408501.1, NM_001408500.1, NM_001408497.1 and 3 more transcripts); c.647-1641G>C (NM_001408455.1, NM_001408466.1, NM_001408452.1 and 11 more transcripts); c.521-1641G>C (NM_001408503.1, NM_001408505.1, NM_001408504.1); c.404-1641G>C (NM_001408511.1); and 41 more; short protein forms C826S, C842S, C886S, C950S, C953S, C825S, C865S, C882S.
Identifiers: ClinVar variation 3631835 (VCV003631835.2).